The following is an entry in ClinVar:

ClinVar aggregate classification (germline): Likely benign (1 of 4 stars; one submission).

gnomAD v4.1: 9,295 of 1,231,550 alleles (0.75%); highest among the groups gnomAD compares: Non-Finnish European, 0.84%; 53 homozygotes.

Submission:

CeGaT Center for Human Genetics Tuebingen
Classification: Likely benign. Last evaluated: 2026-08-01. Review status: criteria provided, single submitter. Criteria: CeGaT Center For Human Genetics Tuebingen Variant Classification Criteria Version 2. Collection method: clinical testing. Allele origin: germline. Affected: yes. Observed: 10 variant alleles.
Comment: ERFL: BS2

NM_001365103.2(ERFL):c.665G>A (p.Arg222His)

Genes: ARHGEF1 (Rho guanine nucleotide exchange factor 1; plus strand), ERFL (ETS repressor factor like; minus strand). Cytogenetic location: 19q13.2.
Variant type: single nucleotide variant.
Coding change: c.665G>A on transcript NM_001365103.2 (MANE Select); coding-DNA position 665, G replaced by A.
Protein change: p.Arg222His; replaces arginine 222 with histidine.
Molecular consequence: missense variant. On other transcripts: intron variant (2).
Genome position (GRCh38, 1-based): chr19:41,908,628, C>T on the plus strand (G>A on the coding strand, the complement: ERFL is on the minus strand). VCF-style: chr19-41908628-C-T. GRCh37 (hg19) VCF-style: chr19-42412780-C-T.
Other names: c.2592+1825C>T (NM_001396003.1); c.2493+1825C>T (NM_001396002.1); short protein forms R222H.
Identifiers: ClinVar variation 3341626 (VCV003341626.15).